The following is an entry in ClinVar:

NM_003482.4(KMT2D):c.7784G>A (p.Gly2595Glu)

Gene: KMT2D (lysine methyltransferase 2D; minus strand). Cytogenetic location: 12q13.12.
Variant type: single nucleotide variant.
Coding change: c.7784G>A on transcript NM_003482.4 (MANE Select); coding-DNA position 7784, G replaced by A.
Protein change: p.Gly2595Glu; replaces glycine 2595 with glutamic acid.
Molecular consequence: missense variant.
Genome position (GRCh38, 1-based): chr12:49,039,986, C>T on the plus strand (G>A on the coding strand, the complement: KMT2D is on the minus strand). VCF-style: chr12-49039986-C-T. GRCh37 (hg19) VCF-style: chr12-49433769-C-T.
Other names: short protein forms G2595E.
Identifiers: ClinVar variation 4766696 (VCV004766696.1).

ClinVar aggregate classification (germline): Uncertain significance (1 of 4 stars; one submission).

Conditions:
Kabuki syndrome. Also called: NIIKAWA-KUROKI SYNDROME; Kabuki make-up syndrome. Identifiers: Orphanet 2322, MedGen C0796004, MONDO:0016512.

gnomAD v4.1: 1 of 1,613,784 alleles (0.000062%); highest among the groups gnomAD compares: Non-Finnish European, 0.000085%; no homozygotes.

Submission:

Labcorp Genetics (formerly Invitae), Labcorp
Classification: Uncertain significance for Kabuki syndrome. Last evaluated: 2025-06-05. Review status: criteria provided, single submitter. Criteria: Invitae Variant Classification Sherloc (09022015). Collection method: clinical testing. Allele origin: germline.
Comment: This sequence change replaces glycine, which is neutral and non-polar, with glutamic acid, which is acidic and polar, at codon 2595 of the KMT2D protein (p.Gly2595Glu). This variant is not present in population databases (gnomAD no frequency). This variant has not been reported in the literature in individuals affected with KMT2D-related conditions. Invitae Evidence Modeling of protein sequence and biophysical properties (such as structural, functional, and spatial information, amino acid conservation, physicochemical variation, residue mobility, and thermodynamic stability) indicates that this missense variant is not expected to disrupt KMT2D protein function with a negative predictive value of 95%. In summary, the available evidence is currently insufficient to determine the role of this variant in disease. Therefore, it has been classified as a Variant of Uncertain Significance.